The following is an entry in ClinVar:

NM_138615.3(DHX30):c.3214C>T (p.Arg1072Ter)

Gene: DHX30 (DExH-box helicase 30; plus strand). Cytogenetic location: 3p21.31.
Variant type: single nucleotide variant.
Coding change: c.3214C>T on transcript NM_138615.3 (MANE Select); coding-DNA position 3214, C replaced by T.
Protein change: p.Arg1072Ter; replaces arginine 1072 with a stop codon.
Molecular consequence: nonsense.
Genome position (GRCh38, 1-based): chr3:47,849,652, C>T. VCF-style: chr3-47849652-C-T. GRCh37 (hg19) VCF-style: chr3-47891142-C-T.
Other names: c.3130C>T, p.Arg1044Ter (NM_001330990.2); c.3097C>T, p.Arg1033Ter (NM_014966.4); short protein forms R1033*, R1044*, R1072*.
Identifiers: ClinVar variation 1712157 (VCV001712157.4), dbSNP rs2549307285, ClinGen allele CA352594602.

ClinVar aggregate classification (germline): Conflicting classifications of pathogenicity. Review status: criteria provided, conflicting classifications (1 of 4 stars). 2 submissions from 2 submitters: Likely pathogenic (1); Uncertain significance (1). Last evaluated 2024-04-23.

Submissions (2):

GeneDx
Classification: Likely pathogenic. Last evaluated: 2024-04-23. Review status: criteria provided, single submitter. Criteria: GeneDx Variant Classification Process June 2021. Collection method: clinical testing. Allele origin: germline. Affected: yes.
Comment: Nonsense variant predicted to result in protein truncation or nonsense mediated decay in a gene for which loss of function is a known mechanism of disease; Not observed at significant frequency in large population cohorts (gnomAD); Has not been previously published as pathogenic or benign to our knowledge

Blueprint Genetics
Classification: Uncertain significance. Last evaluated: 2024-04-22. Review status: criteria provided, single submitter. Criteria: ACMG Guidelines, 2015. Collection method: clinical testing. Allele origin: germline.